The following is an entry in ClinVar:

NM_000334.4(SCN4A):c.607A>G (p.Met203Val)

Gene: SCN4A (sodium voltage-gated channel alpha subunit 4; minus strand). Cytogenetic location: 17q23.3.
Variant type: single nucleotide variant.
Coding change: c.607A>G on transcript NM_000334.4 (MANE Select); coding-DNA position 607, A replaced by G.
Protein change: p.Met203Val; replaces methionine 203 with valine.
Molecular consequence: missense variant.
Genome position (GRCh38, 1-based): chr17:63,971,726, T>C on the plus strand (A>G on the coding strand, the complement: SCN4A is on the minus strand). VCF-style: chr17-63971726-T-C. GRCh37 (hg19) VCF-style: chr17-62049086-T-C.
Other names: p.Met203Val; short protein forms M203V.
Identifiers: ClinVar variation 2501433 (VCV002501433.2), dbSNP rs1249992691, ClinGen allele CA400638847.

ClinVar aggregate classification (germline): Uncertain significance. Review status: criteria provided, multiple submitters, no conflicts (2 of 4 stars). 2 submissions from 2 submitters: Uncertain significance (2). Last evaluated 2025-11-01.

Allele frequency attached by ClinVar (database versions not stated): gnomAD 0.00001; TOPMed 0.00002.
gnomAD v4.1: 1 of 1,596,020 alleles (0.000063%); highest among the groups gnomAD compares: African/African-American, 0.0013%; no homozygotes.

Submissions (2):

Mayo Clinic Laboratories, Mayo Clinic
Classification: Uncertain significance. Last evaluated: 2025-11-01. Review status: criteria provided, single submitter. Criteria: ACMG Guidelines, 2015. Collection method: clinical testing. Allele origin: germline. Observed: 1 variant allele.

GeneDx
Classification: Uncertain significance. Last evaluated: 2022-11-03. Review status: criteria provided, single submitter. Criteria: GeneDx Variant Classification Process June 2021. Collection method: clinical testing. Allele origin: germline. Affected: yes.
Comment: Not observed at significant frequency in large population cohorts (gnomAD); In silico analysis supports that this missense variant has a deleterious effect on protein structure/function; Has not been previously published as pathogenic or benign to our knowledge